The following is an entry in ClinVar:

ClinVar aggregate classification (germline): Uncertain significance. Review status: criteria provided, multiple submitters, no conflicts (2 of 4 stars). 2 submissions from 2 submitters: Uncertain significance (2). Last evaluated 2024-12-31.

Conditions:
RYR1-related disorder. Also called: RYR1-related disorders; RYR1-related condition. Identifiers: MedGen CN239331.

Allele frequency attached by ClinVar (database versions not stated): gnomAD exomes below 0.00001 and 0.00001; TOPMed below 0.00001.
gnomAD v4.1: 2 of 1,610,816 alleles (0.00012%); highest among the groups gnomAD compares: Admixed American, 0.0033%; no homozygotes.

Submissions (2):

GeneDx
Classification: Uncertain significance. Last evaluated: 2024-12-31. Review status: criteria provided, single submitter. Criteria: GeneDx Variant Classification Process June 2021. Collection method: clinical testing. Allele origin: germline. Affected: yes.
Comment: Not observed at significant frequency in large population cohorts (gnomAD); In silico analysis supports that this missense variant has a deleterious effect on protein structure/function; Has not been previously published as pathogenic or benign to our knowledge

Labcorp Genetics (formerly Invitae), Labcorp
Classification: Uncertain significance for RYR1-related disorder. Last evaluated: 2021-08-31. Review status: criteria provided, single submitter. Criteria: Invitae Variant Classification Sherloc (09022015). Collection method: clinical testing. Allele origin: germline.
Comment: This sequence change replaces valine with leucine at codon 1473 of the RYR1 protein (p.Val1473Leu). The valine residue is moderately conserved and there is a small physicochemical difference between valine and leucine. This variant is not present in population databases (ExAC no frequency). This variant has not been reported in the literature in individuals affected with RYR1-related conditions. Algorithms developed to predict the effect of missense changes on protein structure and function are either unavailable or do not agree on the potential impact of this missense change (SIFT: "Deleterious"; PolyPhen-2: "Possibly Damaging"; Align-GVGD: "Class C0"). In summary, the available evidence is currently insufficient to determine the role of this variant in disease. Therefore, it has been classified as a Variant of Uncertain Significance.

NM_000540.3(RYR1):c.4417G>T (p.Val1473Leu)

Gene: RYR1 (ryanodine receptor 1; plus strand). Cytogenetic location: 19q13.2.
Variant type: single nucleotide variant.
Coding change: c.4417G>T on transcript NM_000540.3 (MANE Select); coding-DNA position 4417, G replaced by T.
Protein change: p.Val1473Leu; replaces valine 1473 with leucine.
Molecular consequence: missense variant.
Genome position (GRCh38, 1-based): chr19:38,477,833, G>T. VCF-style: chr19-38477833-G-T. GRCh37 (hg19) VCF-style: chr19-38968473-G-T.
Other names: c.4417G>T, p.Val1473Leu (NM_001042723.2); short protein forms V1473L.
Identifiers: ClinVar variation 566568 (VCV000566568.7), dbSNP rs1263847987, ClinGen allele CA405646208.